The following is an entry in ClinVar:

ClinVar aggregate classification (germline): Uncertain significance. Review status: criteria provided, multiple submitters, no conflicts (2 of 4 stars). 2 submissions from 2 submitters: Uncertain significance (2). Last evaluated 2026-02-10.

Conditions:
Malignant hyperthermia, susceptibility to, 5 (MHS5). Also called: CACNA1S-Related Malignant Hyperthermia Susceptibility. Identifiers: Orphanet 423, MedGen C1866077, MONDO:0011163, OMIM 601887.
Hypokalemic periodic paralysis, type 1. Also called: Hypokalemic Periodic Paralysis Type 1 (AD); HypoPP. Identifiers: Orphanet 681, MedGen C3714580, MONDO:0042979, OMIM 170400.

Submissions (2):

GeneDx
Classification: Uncertain significance. Last evaluated: 2026-02-10. Review status: criteria provided, single submitter. Criteria: GeneDx Variant Classification Process June 2021. Collection method: clinical testing. Allele origin: germline.
Comment: Not observed at significant frequency in large population cohorts (gnomAD); In silico analysis supports that this missense variant has a deleterious effect on protein structure/function; Has not been previously published as pathogenic or benign to our knowledge

Labcorp Genetics (formerly Invitae), Labcorp
Classification: Uncertain significance for Hypokalemic periodic paralysis, type 1; Malignant hyperthermia, susceptibility to, 5. Last evaluated: 2025-11-17. Review status: criteria provided, single submitter. Criteria: Invitae Variant Classification Sherloc (09022015). Collection method: clinical testing. Allele origin: germline.
Comment: This sequence change replaces isoleucine, which is neutral and non-polar, with asparagine, which is neutral and polar, at codon 233 of the CACNA1S protein (p.Ile233Asn). This variant is not present in population databases (gnomAD no frequency). This variant has not been reported in the literature in individuals affected with CACNA1S-related conditions. Invitae Evidence Modeling of protein sequence and biophysical properties (such as structural, functional, and spatial information, amino acid conservation, physicochemical variation, residue mobility, and thermodynamic stability) indicates that this missense variant is not expected to disrupt CACNA1S protein function with a negative predictive value of 95%. In summary, the available evidence is currently insufficient to determine the role of this variant in disease. Therefore, it has been classified as a Variant of Uncertain Significance.

NM_000069.3(CACNA1S):c.698T>A (p.Ile233Asn)

Gene: CACNA1S (calcium voltage-gated channel subunit alpha1 S; minus strand). Cytogenetic location: 1q32.1.
Variant type: single nucleotide variant.
Coding change: c.698T>A on transcript NM_000069.3 (MANE Select); coding-DNA position 698, T replaced by A.
Protein change: p.Ile233Asn; replaces isoleucine 233 with asparagine.
Molecular consequence: missense variant.
Genome position (GRCh38, 1-based): chr1:201,089,460, A>T on the plus strand (T>A on the coding strand, the complement: CACNA1S is on the minus strand). VCF-style: chr1-201089460-A-T. GRCh37 (hg19) VCF-style: chr1-201058588-A-T.
Other names: c.698T>A (NM_000069.2); short protein forms I233N.
Identifiers: ClinVar variation 4789998 (VCV004789998.2).
Genomic context (GRCh38, chr1:201,089,460, plus strand): 5'-CGGCGCCCTGAGCCCGTCCTGGCGCAGGGCGATGGCTCTTCATTCTCCACCGTGGCCACG[A>T]TATCTGGAGGCAGAAGGCAAAGGGAACATCAGACAACAGTAGTAGGTGGACAACGACAGG-3'
Protein context (NP_000060.2, residues 223-243): HKTCYFIGTD[Ile233Asn]VATVENEEPS